The following is an entry in ClinVar:

ClinVar aggregate classification (germline): Uncertain significance. Review status: criteria provided, multiple submitters, no conflicts (2 of 4 stars). 2 submissions from 2 submitters: Uncertain significance (2). Last evaluated 2025-09-29.

Conditions:
Medium-chain acyl-coenzyme A dehydrogenase deficiency (ACADMD). Also called: CARNITINE DEFICIENCY SECONDARY TO MEDIUM-CHAIN ACYL-CoA DEHYDROGENASE DEFICIENCY; MCADH DEFICIENCY; MCAD Deficiency; ACADM DEFICIENCY; Medium chain acyl-CoA dehydrogenase deficiency; MCADD. Identifiers: Orphanet 42, MedGen C0220710, MONDO:0008721, OMIM 201450.

Submissions (2):

Labcorp Genetics (formerly Invitae), Labcorp
Classification: Uncertain significance for Medium-chain acyl-coenzyme A dehydrogenase deficiency. Last evaluated: 2025-09-29. Review status: criteria provided, single submitter. Criteria: Invitae Variant Classification Sherloc (09022015). Collection method: clinical testing. Allele origin: germline.
Comment: This sequence change replaces alanine, which is neutral and non-polar, with threonine, which is neutral and polar, at codon 52 of the ACADM protein (p.Ala52Thr). This variant is not present in population databases (gnomAD no frequency). This variant has not been reported in the literature in individuals affected with ACADM-related conditions. Invitae Evidence Modeling of protein sequence and biophysical properties (such as structural, functional, and spatial information, amino acid conservation, physicochemical variation, residue mobility, and thermodynamic stability) indicates that this missense variant is not expected to disrupt ACADM protein function with a negative predictive value of 80%. In summary, the available evidence is currently insufficient to determine the role of this variant in disease. Therefore, it has been classified as a Variant of Uncertain Significance.

ARUP Laboratories, Molecular Genetics and Genomics, ARUP Laboratories
Classification: Uncertain significance for Medium-chain acyl-coenzyme A dehydrogenase deficiency. Last evaluated: 2025-04-17. Review status: criteria provided, single submitter. Criteria: ARUP Molecular Germline Variant Investigation Process 2024. Collection method: clinical testing. Allele origin: germline.
Comment: The ACADM c.154G>A; p.Ala52Thr variant, also known as Ala27Thr in traditional nomenclature, to our knowledge, is not reported in the medical literature or gene specific databases. This variant is also absent from the Genome Aggregation Database (v2.1.1), indicating it is not a common polymorphism. Computational analyses predict that this variant is deleterious (REVEL: 0.788). However, given the lack of clinical and functional data, the significance of this variant is uncertain at this time.

NM_000016.6(ACADM):c.154G>A (p.Ala52Thr)

Gene: ACADM (acyl-CoA dehydrogenase medium chain; plus strand). Cytogenetic location: 1p31.1.
Variant type: single nucleotide variant.
Coding change: c.154G>A on transcript NM_000016.6 (MANE Select); coding-DNA position 154, G replaced by A.
Protein change: p.Ala52Thr; replaces alanine 52 with threonine.
Molecular consequence: missense variant. On other transcripts: 5 prime UTR variant (1).
Genome position (GRCh38, 1-based): chr1:75,732,679, G>A. VCF-style: chr1-75732679-G-A. GRCh37 (hg19) VCF-style: chr1-76198364-G-A.
Other names: c.166G>A, p.Ala56Thr (NM_001127328.3); c.46G>A, p.Ala16Thr (NM_001286042.2); c.154G>A, p.Ala52Thr (NM_001286043.2); c.-232G>A (NM_001286044.2); short protein forms A16T, A52T, A56T.
Identifiers: ClinVar variation 4685767 (VCV004685767.2).